The following is an entry in ClinVar:

NM_003001.5(SDHC):c.321T>A (p.Cys107Ter)

Gene: SDHC (succinate dehydrogenase complex subunit C; plus strand). Cytogenetic location: 1q23.3.
Variant type: single nucleotide variant.
Coding change: c.321T>A on transcript NM_003001.5 (MANE Select); coding-DNA position 321, T replaced by A.
Protein change: p.Cys107Ter; replaces cysteine 107 with a stop codon.
Molecular consequence: nonsense. On other transcripts: non-coding transcript variant (1), intron variant (3).
Genome position (GRCh38, 1-based): chr1:161,356,756, T>A. VCF-style: chr1-161356756-T-A. GRCh37 (hg19) VCF-style: chr1-161326546-T-A.
Other names: c.219T>A, p.Cys73Ter (NM_001035512.3); c.162T>A, p.Cys54Ter (NM_001035513.3); c.441T>A, p.Cys147Ter (NM_001407115.1); c.264T>A, p.Cys88Ter (NM_001407116.1); c.258T>A, p.Cys86Ter (NM_001407117.1); c.213T>A, p.Cys71Ter (NM_001407118.1); c.210T>A, p.Cys70Ter (NM_001407119.1, NM_001407120.1); c.242-5573T>A (NM_001035511.3); and 2 more; short protein forms C88*, C54*, C73*, C86*, C107*, C147*, C70*, C71*.
Identifiers: ClinVar variation 4790167 (VCV004790167.1).

ClinVar aggregate classification (germline): Pathogenic (1 of 4 stars; one submission).

Conditions:
Pheochromocytoma/paraganglioma syndrome 3. Also called: GLOMUS TUMORS, FAMILIAL, 3; Paragangliomas 3; SDHC-Related Hereditary Paraganglioma-Pheochromocytoma Syndrome (Paragangliomas 3); SDHC-Related Hereditary Paraganglioma-Pheochromocytoma Syndrome. Identifiers: Orphanet 29072, MedGen C1854336, MONDO:0011544, OMIM 605373.
Gastrointestinal stromal tumor. Also called: Gastrointestinal stroma tumor; Gastrointestinal stromal tumor, somatic. Identifiers: Orphanet 44890, MedGen C0238198, MeSH D046152, MONDO:0011719, OMIM 606764, HP:0100723.

Submission:

Labcorp Genetics (formerly Invitae), Labcorp
Classification: Pathogenic for Pheochromocytoma/paraganglioma syndrome 3; Gastrointestinal stromal tumor. Last evaluated: 2025-06-10. Review status: criteria provided, single submitter. Criteria: Invitae Variant Classification Sherloc (09022015). Collection method: clinical testing. Allele origin: germline.
Comment: This sequence change creates a premature translational stop signal (p.Cys107*) in the SDHC gene. It is expected to result in an absent or disrupted protein product. Loss-of-function variants in SDHC are known to be pathogenic (PMID: 17667967, 19454582, 23282968, 24758179). This variant is not present in population databases (gnomAD no frequency). This variant has not been reported in the literature in individuals affected with SDHC-related conditions. For these reasons, this variant has been classified as Pathogenic.

Literature cited by the submitters: PubMed 17667967; PubMed 19454582; PubMed 23282968; PubMed 24758179.